The following is an entry in ClinVar:

ClinVar aggregate classification (germline): Uncertain significance (1 of 4 stars; one submission).

Conditions:
Early-infantile DEE. Also called: Ohtahara syndrome; Early infantile epileptic encephalopathy; Early infantile epileptic encephalopathy with suppression bursts. Identifiers: Orphanet 1934, MedGen C0393706, MONDO:0800491.

Allele frequency attached by ClinVar (database versions not stated): ExAC 0.00001; gnomAD exomes below 0.00001.
gnomAD v4.1: 1 of 1,613,298 alleles (0.000062%); highest among the groups gnomAD compares: East Asian, 0.0022%; no homozygotes.

Submission:

Labcorp Genetics (formerly Invitae), Labcorp
Classification: Uncertain significance for Early-infantile DEE. Last evaluated: 2024-04-29. Review status: criteria provided, single submitter. Criteria: Invitae Variant Classification Sherloc (09022015). Collection method: clinical testing. Allele origin: germline.
Comment: This sequence change replaces glutamine, which is neutral and polar, with leucine, which is neutral and non-polar, at codon 91 of the SCN8A protein (p.Gln91Leu). This variant is present in population databases (rs768040823, gnomAD 0.006%). This variant has not been reported in the literature in individuals affected with SCN8A-related conditions. Advanced modeling of protein sequence and biophysical properties (such as structural, functional, and spatial information, amino acid conservation, physicochemical variation, residue mobility, and thermodynamic stability) performed at Invitae indicates that this missense variant is not expected to disrupt SCN8A protein function with a negative predictive value of 95%. In summary, the available evidence is currently insufficient to determine the role of this variant in disease. Therefore, it has been classified as a Variant of Uncertain Significance.

NM_001330260.2(SCN8A):c.272A>T (p.Gln91Leu)

Genes: SCN8A (sodium voltage-gated channel alpha subunit 8; plus strand), LOC114803470 (SCN8A eExon liver enhancer; plus strand). Cytogenetic location: 12q13.13.
Variant type: single nucleotide variant.
Coding change: c.272A>T on transcript NM_001330260.2 (MANE Select); coding-DNA position 272, A replaced by T.
Protein change: p.Gln91Leu; replaces glutamine 91 with leucine.
Molecular consequence: missense variant.
Genome position (GRCh38, 1-based): chr12:51,663,089, A>T. VCF-style: chr12-51663089-A-T. GRCh37 (hg19) VCF-style: chr12-52056873-A-T.
Other names: c.272A>T, p.Gln91Leu (NM_001177984.3, NM_001369788.1, NM_014191.4); short protein forms Q91L.
Identifiers: ClinVar variation 2769674 (VCV002769674.3), dbSNP rs768040823, ClinGen allele CA6571018.
Genomic context (GRCh38, chr12:51,663,089, plus strand): 5'-ACATCCCCCAAGGCCTGGTTGCAGTTCCCCTGGAGGACTTTGACCCATACTATTTGACGC[A>T]GAAAGTGAGTTGGAGGAGGAGGAGCAGCTGCAGATACCTGTTTCCTAACAGGCTTAGGGA-3'
Protein context (NP_001317189.1, residues 81-101): LEDFDPYYLT[Gln91Leu]KTFVVLNRGK